The following is an entry in ClinVar:

NM_001278716.2(FBXL4):c.1641_1642del (p.Cys547_Asp548delinsTer)

Gene: FBXL4 (F-box and leucine rich repeat protein 4; minus strand). Cytogenetic location: 6q16.1.
Variant type: Microsatellite.
Coding change: c.1641_1642del on transcript NM_001278716.2 (MANE Select); coding-DNA positions 1641 to 1642, 2 bases deleted (TG; older notation c.1641_1642delTG).
Protein change: p.Cys547_Asp548delinsTer.
Molecular consequence: nonsense. On other transcripts: non-coding transcript variant (1).
Genome position (GRCh38, 1-based): chr6:98,875,475-98,875,476, CA deleted on the plus strand (TG on the coding strand, the reverse complement: FBXL4 is on the minus strand); deleting any 2 consecutive bases within chr6:98,875,475-98,875,482 gives the same sequence; the c. name uses the placement nearest the transcript's 3' end. VCF-style (leftmost placement, unchanged base first): chr6-98875474-TCA-T. GRCh37 (hg19) VCF-style: chr6-99323350-TCA-T.
Other names: p.Cys547*; c.1641_1642del (NM_012160.4); c.1641_1642delTG (NM_012160.3); c.1641_1642del, p.Cys547_Asp548delinsTer (NM_012160.5).
Identifiers: ClinVar variation 265143 (VCV000265143.17), dbSNP rs765882664, ClinGen allele CA3933411.

ClinVar aggregate classification (germline): Pathogenic. Review status: criteria provided, multiple submitters, no conflicts (2 of 4 stars). 7 submissions from 7 submitters: Pathogenic (7). Last evaluated 2026-01-21.

Conditions:
FBXL4-related disorder. Also called: FBXL4-related condition.
Mitochondrial DNA depletion syndrome 13. Also called: Mitochondrial DNA depletion syndrome 13 (encephalomyopathic type); FBXL4-Related Encephalomyopathic Mitochondrial DNA Depletion Syndrome. Identifiers: Orphanet 369897, MedGen C3809592, MONDO:0014198, OMIM 615471.

Submissions (7):

Labcorp Genetics (formerly Invitae), Labcorp
Classification: Pathogenic. Last evaluated: 2026-01-21. Review status: criteria provided, single submitter. Criteria: Invitae Variant Classification Sherloc (09022015). Collection method: clinical testing. Allele origin: germline.
Comment: This sequence change creates a premature translational stop signal (p.Cys547*) in the FBXL4 gene. It is expected to result in an absent or disrupted protein product. Loss-of-function variants in FBXL4 are known to be pathogenic (PMID: 23993193, 23993194, 25868664). This variant is present in population databases (rs765882664, gnomAD 0.03%). This premature translational stop signal has been observed in individual(s) with mitochondrial DNA depletion syndrome (PMID: 26404457, 31984159). ClinVar contains an entry for this variant (Variation ID: 265143). For these reasons, this variant has been classified as Pathogenic.

GeneDx
Classification: Pathogenic. Last evaluated: 2025-12-03. Review status: criteria provided, single submitter. Criteria: GeneDx Variant Classification Process June 2021. Collection method: clinical testing. Allele origin: germline. Affected: yes.
Comment: Nonsense variant predicted to result in protein truncation or nonsense mediated decay in a gene for which loss of function is a known mechanism of disease; This variant is associated with the following publications: (PMID: 26404457, 26968897, 25868664, 27743463, 30831263, 28940506, 30853194, 30679813, 31984159, 32445240, 34052969, 34732400, 39411402, 39472908, 38465286, 40252080)

Mayo Clinic Laboratories, Mayo Clinic
Classification: Pathogenic. Last evaluated: 2025-10-17. Review status: criteria provided, single submitter. Criteria: ACMG Guidelines, 2015. Collection method: clinical testing. Allele origin: germline. Observed: 3 variant alleles.
Comment: PM2_supporting, PM3_strong, PVS1

Blueprint Genetics
Classification: Pathogenic for FBXL4-related disorders. Last evaluated: 2024-08-15. Review status: criteria provided, single submitter. Criteria: ACMG Guidelines, 2015. Collection method: clinical testing. Allele origin: germline. Affected: yes. Observed: 5 variant alleles.

Fulgent Genetics
Classification: Pathogenic for Mitochondrial DNA depletion syndrome 13. Last evaluated: 2024-03-19. Review status: criteria provided, single submitter. Criteria: ACMG Guidelines, 2015. Collection method: clinical testing. Allele origin: germline.

Institute of Human Genetics, University of Leipzig Medical Center
Classification: Pathogenic for Mitochondrial DNA depletion syndrome 13. Last evaluated: 2022-01-20. Review status: criteria provided, single submitter. Criteria: ACMG Guidelines, 2015. Collection method: clinical testing. Allele origin: inherited. Affected: yes.
Comment: This variant was identified as homozygous.

Wong Mito Lab, Molecular and Human Genetics, Baylor College of Medicine
Classification: Pathogenic for Mitochondrial DNA depletion syndrome 13. Last evaluated: 2017-08-10. Review status: criteria provided, single submitter. Criteria: ACMG Guidelines, 2015. Collection method: clinical testing. Allele origin: germline. Affected: yes.
Comment: The NM_012160.4:c.1641_1642del (NP_036292.2:p.Cys547Ter) [GRCH38: NC_000006.12:g.98875481_98875482del] variant in FBXL4 gene is interpretated to be a Pathogenic based on ACMG guidelines (PMID: 25741868). This variant has been reported in PMID:25868664 ; 27743463 . This variant meets one or more of the following evidence codes reported in the ACMG-guideline. PVS1:This variant is a predcted null variant in FBXL4 where loss of function is a known mechanism of disease. PM2:This variant is absent in key population databases. PM3:Detected in trans with a pathogenic variant for Mitochondrial DNA depletion syndrome 13 which is a recessive disorder. PP4:Patientâ€™s phenotype or family history is highly specific for FBXL4. PP5:Reputable source(s) suggest that the variant is pathogenic. Based on this evidence code ClinGen Pathogenicity Calculator (PMID:28081714) suggested that the variant is Pathogenic.

Literature cited by the submitters: PubMed 23993193 (cited by Labcorp Genetics (formerly Invitae), Labcorp); PubMed 23993194 (cited by Labcorp Genetics (formerly Invitae), Labcorp); PubMed 25868664 (cited by 3 submitters); PubMed 26404457 (cited by Labcorp Genetics (formerly Invitae), Labcorp and Mayo Clinic Laboratories, Mayo Clinic); PubMed 31984159 (cited by Labcorp Genetics (formerly Invitae), Labcorp and Mayo Clinic Laboratories, Mayo Clinic); PubMed 27743463 (cited by Mayo Clinic Laboratories, Mayo Clinic and Wong Mito Lab, Molecular and Human Genetics, Baylor College of Medicine); PubMed 28940506 (cited by Mayo Clinic Laboratories, Mayo Clinic); PubMed 30679813 (cited by Mayo Clinic Laboratories, Mayo Clinic); PubMed 30831263 (cited by Mayo Clinic Laboratories, Mayo Clinic); PubMed 30853194 (cited by Mayo Clinic Laboratories, Mayo Clinic); PubMed 32445240 (cited by Mayo Clinic Laboratories, Mayo Clinic); PubMed 34732400 (cited by Mayo Clinic Laboratories, Mayo Clinic); PubMed 38465286 (cited by Mayo Clinic Laboratories, Mayo Clinic).